The following is an entry in ClinVar:

NM_000081.4(LYST):c.10095G>C (p.Lys3365Asn)

Genes: LYST (lysosomal trafficking regulator; minus strand), LOC126806063 (MED14-independent group 3 enhancer GRCh37_chr1:235871544-235872743; plus strand). Cytogenetic location: 1q42.3.
Variant type: single nucleotide variant.
Coding change: c.10095G>C on transcript NM_000081.4 (MANE Select); coding-DNA position 10095, G replaced by C.
Protein change: p.Lys3365Asn; replaces lysine 3365 with asparagine.
Molecular consequence: missense variant.
Genome position (GRCh38, 1-based): chr1:235,709,139, C>G on the plus strand (G>C on the coding strand, the complement: LYST is on the minus strand). VCF-style: chr1-235709139-C-G. GRCh37 (hg19) VCF-style: chr1-235872439-C-G.
Other names: c.10095G>C, p.Lys3365Asn (NM_001301365.1); short protein forms K3365N.
Identifiers: ClinVar variation 1691239 (VCV001691239.3), dbSNP rs2527363381, ClinGen allele CA344934704.

ClinVar aggregate classification (germline): Likely pathogenic (1 of 4 stars; one submission).

Conditions:
Chédiak-Higashi syndrome (CHS). Also called: Chediak-Higashi Syndrome. Identifiers: Orphanet 167, MedGen C0007965, MONDO:0008963, OMIM 214500.

Submission:

ISTH-SSC Genomics in Thrombosis and Hemostasis, KU Leuven, Center for Molecular and Vascular Biology
Classification: Likely pathogenic for Chédiak-Higashi syndrome. Review status: criteria provided, single submitter. Criteria: ACMG Guidelines, 2015. Collection method: clinical testing. Allele origin: germline. Affected: yes. Observed: 1 compound heterozygote.
Comment: Submitted to GoldVariant by Jose María Bastida and José Rivera; Grupo Español de Alteraciones Plaquetarias Congénitas (GEAPC)